The following is an entry in ClinVar:

ClinVar aggregate classification (germline): Conflicting classifications of pathogenicity. Review status: criteria provided, conflicting classifications (1 of 4 stars). 4 submissions from 4 submitters: Uncertain significance (1); Benign (1); Likely benign (2). Last evaluated 2025-10-22.

Conditions:
Autosomal recessive nonsyndromic hearing loss 98. Also called: Deafness, autosomal recessive 98. Identifiers: Orphanet 90636, MedGen C3553932, MONDO:0013929, OMIM 614861.

Allele frequency attached by ClinVar (database versions not stated): gnomAD 0.00020 and 0.00026; gnomAD exomes 0.00022 and 0.00047; ESP Exome Variant Server 0.00023; TOPMed 0.00032; ExAC 0.00063; 1000 Genomes Project 30x 0.00094; 1000 Genomes Project 0.00100.
gnomAD v4.1: 331 of 1,595,172 alleles (0.021%); highest among the groups gnomAD compares: East Asian, 0.44%; 3 homozygotes.

Submissions (4):

Labcorp Genetics (formerly Invitae), Labcorp
Classification: Benign. Last evaluated: 2025-10-22. Review status: criteria provided, single submitter. Criteria: Invitae Variant Classification Sherloc (09022015). Collection method: clinical testing. Allele origin: germline.

Blueprint Genetics
Classification: Likely benign. Last evaluated: 2024-11-25. Review status: criteria provided, single submitter. Criteria: ACMG Guidelines, 2015. Collection method: clinical testing. Allele origin: germline.

GeneDx
Classification: Likely benign. Last evaluated: 2020-09-26. Review status: criteria provided, single submitter. Criteria: GeneDx Variant Classification Process June 2021. Collection method: clinical testing. Allele origin: germline. Affected: yes.

Baylor Genetics
Classification: Uncertain significance for Autosomal recessive nonsyndromic hearing loss 98. Last evaluated: 2018-05-08. Review status: criteria provided, single submitter. Criteria: ACMG Guidelines, 2015. Collection method: clinical testing. Allele origin: maternal. Affected: yes.
Comment: This variant was determined to be of uncertain significance according to ACMG Guidelines, 2015 [PMID:25741868].

NM_144991.3(TSPEAR):c.1856+19C>T

Gene: TSPEAR (thrombospondin type laminin G domain and EAR repeats; minus strand). Cytogenetic location: 21q22.3.
Variant type: single nucleotide variant.
Coding change: c.1856+19C>T on transcript NM_144991.3 (MANE Select); 19 bases into the intron after coding-DNA position 1856, C replaced by T.
Molecular consequence: intron variant.
Genome position (GRCh38, 1-based): chr21:44,504,761, G>A on the plus strand (C>T on the coding strand, the complement: TSPEAR is on the minus strand). VCF-style: chr21-44504761-G-A. GRCh37 (hg19) VCF-style: chr21-45924644-G-A.
Other names: c.1652+19C>T (NM_001272037.2).
Identifiers: ClinVar variation 1033112 (VCV001033112.9), dbSNP rs182590005, ClinGen allele CA10056300.